The following is an entry in ClinVar:

NM_001080.3(ALDH5A1):c.113C>T (p.Ala38Val)

Genes: ALDH5A1 (aldehyde dehydrogenase 5 family member A1; plus strand), GPLD1 (glycosylphosphatidylinositol specific phospholipase D1; minus strand), LOC129995978 (ATAC-STARR-seq lymphoblastoid silent region 16989; plus strand). Cytogenetic location: 6p22.3.
Variant type: single nucleotide variant.
Coding change: c.113C>T on transcript NM_001080.3 (MANE Select); coding-DNA position 113, C replaced by T.
Protein change: p.Ala38Val; replaces alanine 38 with valine.
Molecular consequence: missense variant.
Genome position (GRCh38, 1-based): chr6:24,495,109, C>T. VCF-style: chr6-24495109-C-T. GRCh37 (hg19) VCF-style: chr6-24495337-C-T.
Other names: c.113C>T, p.Ala38Val (NM_001368954.1, NM_170740.1); short protein forms A38V.
Identifiers: ClinVar variation 501383 (VCV000501383.11), dbSNP rs772101716, ClinGen allele CA3656573.

ClinVar aggregate classification (germline): Uncertain significance. Review status: criteria provided, multiple submitters, no conflicts (2 of 4 stars). 3 submissions from 3 submitters: Uncertain significance (3). Last evaluated 2025-12-18.

Conditions:
Succinate-semialdehyde dehydrogenase deficiency (SSADHD). Also called: Succinic Semialdehyde Dehydrogenase Deficiency; 4-HYDROXYBUTYRIC ACIDURIA; GABA METABOLIC DEFECT; SSADH DEFICIENCY. Identifiers: Orphanet 22, MedGen C0268631, MONDO:0010083, OMIM 271980.

Allele frequency attached by ClinVar (database versions not stated): ExAC below 0.00001; gnomAD 0.00001; TOPMed 0.00002.
gnomAD v4.1: 24 of 1,313,098 alleles (0.0018%); highest among the groups gnomAD compares: Middle Eastern, 0.029%; no homozygotes.

Submissions (3):

GeneDx
Classification: Uncertain significance. Last evaluated: 2025-12-18. Review status: criteria provided, single submitter. Criteria: GeneDx Variant Classification Process June 2021. Collection method: clinical testing. Allele origin: germline.
Comment: Not observed at significant frequency in large population cohorts (gnomAD); In silico analysis suggests that this missense variant does not alter protein structure/function; Has not been previously published as pathogenic or benign to our knowledge

Labcorp Genetics (formerly Invitae), Labcorp
Classification: Uncertain significance for Succinate-semialdehyde dehydrogenase deficiency. Last evaluated: 2022-01-12. Review status: criteria provided, single submitter. Criteria: Invitae Variant Classification Sherloc (09022015). Collection method: clinical testing. Allele origin: germline.
Comment: This sequence change replaces alanine, which is neutral and non-polar, with valine, which is neutral and non-polar, at codon 38 of the ALDH5A1 protein (p.Ala38Val). This variant is not present in population databases (gnomAD no frequency). This variant has not been reported in the literature in individuals affected with ALDH5A1-related conditions. ClinVar contains an entry for this variant (Variation ID: 501383). Advanced modeling of protein sequence and biophysical properties (such as structural, functional, and spatial information, amino acid conservation, physicochemical variation, residue mobility, and thermodynamic stability) performed at Invitae indicates that this missense variant is not expected to disrupt ALDH5A1 protein function. In summary, the available evidence is currently insufficient to determine the role of this variant in disease. Therefore, it has been classified as a Variant of Uncertain Significance.

Eurofins Ntd Llc (ga)
Classification: Uncertain significance. Last evaluated: 2017-04-25. Review status: criteria provided, single submitter. Criteria: EGL Classification Definitions 2015. Collection method: clinical testing. Allele origin: germline. Observed: 1 variant allele, 1 heterozygote.